The following is an entry in ClinVar:

NM_022437.3(ABCG8):c.817C>T (p.Arg273Cys)

Gene: ABCG8 (ATP binding cassette subfamily G member 8; plus strand). Cytogenetic location: 2p21.
Variant type: single nucleotide variant.
Coding change: c.817C>T on transcript NM_022437.3 (MANE Select); coding-DNA position 817, C replaced by T.
Protein change: p.Arg273Cys; replaces arginine 273 with cysteine.
Molecular consequence: missense variant.
Genome position (GRCh38, 1-based): chr2:43,852,721, C>T. VCF-style: chr2-43852721-C-T. GRCh37 (hg19) VCF-style: chr2-44079860-C-T.
Other names: c.817C>T, p.Arg273Cys (NM_001357321.2); short protein forms R273C.
Identifiers: ClinVar variation 3130002 (VCV003130002.3), dbSNP rs759068364, ClinGen allele CA1637177.

ClinVar aggregate classification (germline): Uncertain significance. Review status: criteria provided, multiple submitters, no conflicts (2 of 4 stars). 2 submissions from 2 submitters: Uncertain significance (2). Last evaluated 2024-08-28.

Conditions:
Cardiovascular phenotype. Identifiers: MedGen CN230736.

Allele frequency attached by ClinVar (database versions not stated): TOPMed below 0.00001; gnomAD 0.00001; ExAC 0.00002.
gnomAD v4.1: 22 of 1,614,064 alleles (0.0014%); highest among the groups gnomAD compares: South Asian, 0.0044%; no homozygotes.

Submissions (2):

Labcorp Genetics (formerly Invitae), Labcorp
Classification: Uncertain significance. Last evaluated: 2024-08-28. Review status: criteria provided, single submitter. Criteria: Invitae Variant Classification Sherloc (09022015). Collection method: clinical testing. Allele origin: germline.
Comment: This sequence change replaces arginine, which is basic and polar, with cysteine, which is neutral and slightly polar, at codon 273 of the ABCG8 protein (p.Arg273Cys). This variant is present in population databases (rs759068364, gnomAD 0.003%). This variant has not been reported in the literature in individuals affected with ABCG8-related conditions. Invitae Evidence Modeling of protein sequence and biophysical properties (such as structural, functional, and spatial information, amino acid conservation, physicochemical variation, residue mobility, and thermodynamic stability) has been performed for this missense variant. However, the output from this modeling did not meet the statistical confidence thresholds required to predict the impact of this variant on ABCG8 protein function. In summary, the available evidence is currently insufficient to determine the role of this variant in disease. Therefore, it has been classified as a Variant of Uncertain Significance.

Ambry Genetics
Classification: Uncertain significance for Cardiovascular phenotype. Last evaluated: 2024-01-23. Review status: criteria provided, single submitter. Criteria: Ambry Variant Classification Scheme 2023. Collection method: clinical testing. Allele origin: germline.